The following is an entry in ClinVar:

ClinVar aggregate classification (germline): Likely benign (1 of 4 stars; one submission).

gnomAD v4.1: 9 of 1,613,032 alleles (0.00056%); highest among the groups gnomAD compares: African/African-American, 0.0013%; no homozygotes.

Submission:

CeGaT Center for Human Genetics Tuebingen
Classification: Likely benign. Last evaluated: 2026-09-01. Review status: criteria provided, single submitter. Criteria: CeGaT Center For Human Genetics Tuebingen Variant Classification Criteria Version 2. Collection method: clinical testing. Allele origin: germline. Affected: yes. Observed: 1 variant allele.
Comment: SON: BP4, BP7

NM_138927.4(SON):c.2301A>G (p.Ala767=)

Gene: SON (SON DNA and RNA binding protein; plus strand). Cytogenetic location: 21q22.11.
Variant type: single nucleotide variant.
Coding change: c.2301A>G on transcript NM_138927.4 (MANE Select); coding-DNA position 2301, A replaced by G.
Protein change: p.Ala767=; no amino-acid change (alanine 767 retained).
Molecular consequence: synonymous variant. On other transcripts: non-coding transcript variant (1), intron variant (1).
Genome position (GRCh38, 1-based): chr21:33,551,532, A>G. VCF-style: chr21-33551532-A-G. GRCh37 (hg19) VCF-style: chr21-34923838-A-G.
Other names: c.2301A>G, p.Ala767= (NM_001291411.2, NM_032195.3); c.244+5153A>G (NM_001291412.3).
Identifiers: ClinVar variation 5041028 (VCV005041028.1).